The following is an entry in ClinVar:

NM_003159.2(CDKL5):c.2497-?_*85del

Genes: CDKL5 (cyclin dependent kinase like 5; plus strand), RS1 (retinoschisin 1; minus strand). Cytogenetic location: Xp22.13.
Variant type: Deletion.
Coding change: c.2497-?_*85del on transcript NM_003159.2.
Identifiers: ClinVar variation 189574 (VCV000189574.2).

ClinVar aggregate classification (germline): Pathogenic (0 of 4 stars; one submission).

Conditions:
Developmental and epileptic encephalopathy, 2 (DEE2). Also called: INFANTILE SPASM SYNDROME, X-LINKED 2; CDKL5 deficiency disorder. Identifiers: Orphanet 1934, Orphanet 3451, Orphanet 505652, MedGen C4750718, MONDO:0010396, OMIM 300672.

Submission:

RettBASE
Classification: Pathogenic for Epileptic encephalopathy, early infantile, 2. Last evaluated: 2014-03-13. Review status: no assertion criteria provided. Collection method: curation. Allele origin: de novo. Affected: yes. Observed: 1 variant allele.
Comment: Remainder of protein uncertain

Literature cited by the submitters: PubMed 18564362.